The following is an entry in ClinVar:

NM_006180.6(NTRK2):c.1938-9C>T

Gene: NTRK2 (neurotrophic receptor tyrosine kinase 2; plus strand). Cytogenetic location: 9q21.33.
Variant type: single nucleotide variant.
Coding change: c.1938-9C>T on transcript NM_006180.6 (MANE Select); 9 bases into the intron before coding-DNA position 1938, C replaced by T.
Molecular consequence: intron variant.
Genome position (GRCh38, 1-based): chr9:84,955,274, C>T. VCF-style: chr9-84955274-C-T. GRCh37 (hg19) VCF-style: chr9-87570189-C-T.
Other names: c.1890-9C>T (NM_001369532.1, NM_001369533.1, NM_001018064.3); c.1854-9C>T (NM_001369534.1); c.1470-9C>T (NM_001369536.1); c.1422-9C>T (NM_001369535.1); c.1938-9C>T (NM_006180.4).
Identifiers: ClinVar variation 1555241 (VCV001555241.9), dbSNP rs752643542, ClinGen allele CA5105890.
Genomic context (GRCh38, chr9:84,955,274, plus strand): 5'-GCAGGGGCAAAGGGCCCCTGGAGTGAAAATGCTGAGGCCCCCAGCTTCATTCTCCATGTC[C>T]TTCCCCAGGGCACACGGCCCTGATGCCGTGCTGATGGCTGAGGGCAACCCGCCCACGGAA-3'

ClinVar aggregate classification (germline): Likely benign. Review status: criteria provided, multiple submitters, no conflicts (2 of 4 stars). 2 submissions from 2 submitters: Likely benign (2). Last evaluated 2026-05-10.

Conditions:
NTRK2-related disorder. Also called: NTRK2-related condition.

Allele frequency attached by ClinVar (database versions not stated): gnomAD 0.00001; TOPMed 0.00001; ExAC 0.00003; gnomAD exomes below 0.00001.
gnomAD v4.1: 2 of 1,589,190 alleles (0.00013%); highest among the groups gnomAD compares: African/African-American, 0.0027%; no homozygotes.

Submissions (2):

PreventionGenetics, part of Exact Sciences
Classification: Likely benign for NTRK2-related condition. Last evaluated: 2026-05-10. Review status: criteria provided, single submitter. Criteria: ACMG Guidelines, 2015. Collection method: clinical testing. Allele origin: germline.
Comment: This variant is classified as likely benign based on ACMG/AMP sequence variant interpretation guidelines (Richards et al. 2015 PMID: 25741868, with internal and published modifications).

Labcorp Genetics (formerly Invitae), Labcorp
Classification: Likely benign. Last evaluated: 2023-04-10. Review status: criteria provided, single submitter. Criteria: Invitae Variant Classification Sherloc (09022015). Collection method: clinical testing. Allele origin: germline.